The following is an entry in ClinVar:

ClinVar aggregate classification (germline): Uncertain significance (1 of 4 stars; one submission).

gnomAD v4.1: 18 of 1,614,180 alleles (0.0011%); highest among the groups gnomAD compares: Non-Finnish European, 0.0015%; no homozygotes.

Submission:

Labcorp Genetics (formerly Invitae), Labcorp
Classification: Uncertain significance. Last evaluated: 2025-03-04. Review status: criteria provided, single submitter. Criteria: Invitae Variant Classification Sherloc (09022015). Collection method: clinical testing. Allele origin: germline.
Comment: This sequence change replaces methionine, which is neutral and non-polar, with isoleucine, which is neutral and non-polar, at codon 392 of the SEMA4A protein (p.Met392Ile). This variant is not present in population databases (gnomAD no frequency). This variant has not been reported in the literature in individuals affected with SEMA4A-related conditions. Invitae Evidence Modeling of protein sequence and biophysical properties (such as structural, functional, and spatial information, amino acid conservation, physicochemical variation, residue mobility, and thermodynamic stability) indicates that this missense variant is not expected to disrupt SEMA4A protein function with a negative predictive value of 80%. In summary, the available evidence is currently insufficient to determine the role of this variant in disease. Therefore, it has been classified as a Variant of Uncertain Significance.

NM_022367.4(SEMA4A):c.1176G>A (p.Met392Ile)

Gene: SEMA4A (semaphorin 4A; plus strand). Cytogenetic location: 1q22.
Variant type: single nucleotide variant.
Coding change: c.1176G>A on transcript NM_022367.4 (MANE Select); coding-DNA position 1176, G replaced by A.
Protein change: p.Met392Ile; replaces methionine 392 with isoleucine.
Molecular consequence: missense variant.
Genome position (GRCh38, 1-based): chr1:156,172,867, G>A. VCF-style: chr1-156172867-G-A. GRCh37 (hg19) VCF-style: chr1-156142658-G-A.
Other names: c.1176G>A, p.Met392Ile (NM_001193300.2, NM_001193301.2, NM_001370567.1); c.780G>A, p.Met260Ile (NM_001193302.2); c.879G>A, p.Met293Ile (NM_001370568.1); c.669G>A, p.Met223Ile (NM_001370569.1, NM_001370571.1); short protein forms M223I, M260I, M293I, M392I.
Identifiers: ClinVar variation 4744776 (VCV004744776.1).